The following is an entry in ClinVar:

ClinVar aggregate classification (germline): Uncertain significance (1 of 4 stars; one submission).

Conditions:
Congenital myotonia, autosomal dominant form (THD). Also called: THOMSEN DISEASE; Myotonia congenita autosomal dominant. Identifiers: Orphanet 614, MedGen C2936781, MONDO:0008055, OMIM 160800.
Congenital myotonia, autosomal recessive form. Also called: BECKER DISEASE; Becker Generalized Myotonia; myotonia congenita, autosomal recessive. Identifiers: Orphanet 614, MedGen C0751360, MONDO:0009715, OMIM 255700.

Submission:

Labcorp Genetics (formerly Invitae), Labcorp
Classification: Uncertain significance for Congenital myotonia, autosomal recessive form; Congenital myotonia, autosomal dominant form. Last evaluated: 2025-07-21. Review status: criteria provided, single submitter. Criteria: Invitae Variant Classification Sherloc (09022015). Collection method: clinical testing. Allele origin: germline.
Comment: This sequence change replaces isoleucine, which is neutral and non-polar, with valine, which is neutral and non-polar, at codon 103 of the CLCN1 protein (p.Ile103Val). This variant is not present in population databases (gnomAD no frequency). This variant has not been reported in the literature in individuals affected with CLCN1-related conditions. Invitae Evidence Modeling of protein sequence and biophysical properties (such as structural, functional, and spatial information, amino acid conservation, physicochemical variation, residue mobility, and thermodynamic stability) indicates that this missense variant is not expected to disrupt CLCN1 protein function with a negative predictive value of 95%. In summary, the available evidence is currently insufficient to determine the role of this variant in disease. Therefore, it has been classified as a Variant of Uncertain Significance.

NM_000083.3(CLCN1):c.307A>G (p.Ile103Val)

Gene: CLCN1 (chloride voltage-gated channel 1; plus strand). Cytogenetic location: 7q34.
Variant type: single nucleotide variant.
Coding change: c.307A>G on transcript NM_000083.3 (MANE Select); coding-DNA position 307, A replaced by G.
Protein change: p.Ile103Val; replaces isoleucine 103 with valine.
Molecular consequence: missense variant. On other transcripts: non-coding transcript variant (1).
Genome position (GRCh38, 1-based): chr7:143,320,669, A>G. VCF-style: chr7-143320669-A-G. GRCh37 (hg19) VCF-style: chr7-143017762-A-G.
Other names: short protein forms I103V.
Identifiers: ClinVar variation 4790192 (VCV004790192.1).
Genomic context (GRCh38, chr7:143,320,669, plus strand): 5'-GTTTGTTTGTTTGTTTGTTGTTTGTTTGTTTGTTTTTTCCCTCATCTCTTCCTAGATTGT[A>G]TCCACCGCCTGGGACAGGTGGTGAGAAGAAAATTAGGGGAAGACGGGATCTTTCTGGTGC-3'
Protein context (NP_000074.3, residues 93-113): EDHYSKCQDC[Ile103Val]HRLGQVVRRK